The following is an entry in ClinVar:

ClinVar aggregate classification (germline): Uncertain significance (0 of 4 stars; one submission).

Conditions:
RAI1-related disorder. Also called: RAI1-related condition.

gnomAD v4.1: 2 of 1,612,284 alleles (0.00012%); highest among the groups gnomAD compares: African/African-American, 0.0027%; no homozygotes.

Submission:

PreventionGenetics, part of Exact Sciences
Classification: Uncertain significance for RAI1-related condition. Last evaluated: 2024-05-27. Review status: no assertion criteria provided. Collection method: clinical testing. Allele origin: germline.
Comment: The RAI1 c.335A>G variant is predicted to result in the amino acid substitution p.Tyr112Cys. To our knowledge, this variant has not been reported in the literature or in a large population database, indicating this variant is rare. At this time, the clinical significance of this variant is uncertain due to the absence of conclusive functional and genetic evidence.

NM_030665.4(RAI1):c.335A>G (p.Tyr112Cys)

Gene: RAI1 (retinoic acid induced 1; plus strand). Cytogenetic location: 17p11.2.
Variant type: single nucleotide variant.
Coding change: c.335A>G on transcript NM_030665.4 (MANE Select); coding-DNA position 335, A replaced by G.
Protein change: p.Tyr112Cys; replaces tyrosine 112 with cysteine.
Molecular consequence: missense variant.
Genome position (GRCh38, 1-based): chr17:17,793,283, A>G. VCF-style: chr17-17793283-A-G. GRCh37 (hg19) VCF-style: chr17-17696597-A-G.
Other names: short protein forms Y112C.
Identifiers: ClinVar variation 3354945 (VCV003354945.1).